The following is an entry in ClinVar:

NM_001371928.1(AHDC1):c.3298C>T (p.Arg1100Trp)

Gene: AHDC1 (AT-hook DNA binding motif containing 1; minus strand). Cytogenetic location: 1p36.11.
Variant type: single nucleotide variant.
Coding change: c.3298C>T on transcript NM_001371928.1 (MANE Select); coding-DNA position 3298, C replaced by T.
Protein change: p.Arg1100Trp; replaces arginine 1100 with tryptophan.
Molecular consequence: missense variant.
Genome position (GRCh38, 1-based): chr1:27,548,818, G>A on the plus strand (C>T on the coding strand, the complement: AHDC1 is on the minus strand). VCF-style: chr1-27548818-G-A. GRCh37 (hg19) VCF-style: chr1-27875329-G-A.
Other names: c.3298C>T, p.Arg1100Trp (NM_001029882.3); short protein forms R1100W.
Identifiers: ClinVar variation 4025990 (VCV004025990.2).
Genomic context (GRCh38, chr1:27,548,818, plus strand): 5'-CCCAGTCCAGGCCTCCATAGCCCTGCCGGAAAGGCCACTGAGAAGCCCCCGCAAACTGCC[G>A]ACAGTTCTCGGGCGAGGGCTGGAAGGAGGAGGAGGAGGAGGAGGCGGCAGAGGCTGCAGA-3'
Protein context (NP_001358857.1, residues 1090-1110): SSFQPSPENC[Arg1100Trp]QFAGASQWPF

ClinVar aggregate classification (germline): Conflicting classifications of pathogenicity. Review status: criteria provided, conflicting classifications (1 of 4 stars). 2 submissions from 2 submitters: Uncertain significance (1); Likely benign (1). Last evaluated 2025-11-03.

Conditions:
Inborn genetic diseases. Identifiers: MedGen C0950123, MeSH D030342.

gnomAD v4.1: 100 of 1,612,862 alleles (0.0062%); highest among the groups gnomAD compares: Non-Finnish European, 0.008%; no homozygotes.

Submissions (2):

Labcorp Genetics (formerly Invitae), Labcorp
Classification: Uncertain significance. Last evaluated: 2025-11-03. Review status: criteria provided, single submitter. Criteria: Invitae Variant Classification Sherloc (09022015). Collection method: clinical testing. Allele origin: germline.
Comment: This sequence change replaces arginine, which is basic and polar, with tryptophan, which is neutral and slightly polar, at codon 1100 of the AHDC1 protein (p.Arg1100Trp). This variant is present in population databases (no rsID available, gnomAD 0.004%). This variant has not been reported in the literature in individuals affected with AHDC1-related conditions. ClinVar contains an entry for this variant (Variation ID: 4025990). An algorithm developed to predict the effect of missense changes on protein structure and function (PolyPhen-2) suggests that this variant is likely to be disruptive. In summary, the available evidence is currently insufficient to determine the role of this variant in disease. Therefore, it has been classified as a Variant of Uncertain Significance.

Ambry Genetics
Classification: Likely benign for Inborn genetic diseases. Last evaluated: 2025-05-01. Review status: criteria provided, single submitter. Criteria: Ambry Variant Classification Scheme 2023. Collection method: clinical testing. Allele origin: germline.